The following is an entry in ClinVar:

NM_004247.4(EFTUD2):c.360G>A (p.Ala120=)

Gene: EFTUD2 (elongation factor Tu GTP binding domain containing 2; minus strand). Cytogenetic location: 17q21.31.
Variant type: single nucleotide variant.
Coding change: c.360G>A on transcript NM_004247.4 (MANE Select); coding-DNA position 360, G replaced by A.
Protein change: p.Ala120=; no amino-acid change (alanine 120 retained).
Molecular consequence: synonymous variant.
Genome position (GRCh38, 1-based): chr17:44,883,715, C>T on the plus strand (G>A on the coding strand, the complement: EFTUD2 is on the minus strand). VCF-style: chr17-44883715-C-T. GRCh37 (hg19) VCF-style: chr17-42961083-C-T.
Other names: c.360G>A (NM_004247.3); c.255G>A, p.Ala85= (NM_001142605.2); c.360G>A, p.Ala120= (NM_001258353.2, NM_001258354.2).
Identifiers: ClinVar variation 1467753 (VCV001467753.8), dbSNP rs775710945, ClinGen allele CA8608114.

ClinVar aggregate classification (germline): Likely benign. Review status: criteria provided, multiple submitters, no conflicts (2 of 4 stars). 2 submissions from 2 submitters: Likely benign (2). Last evaluated 2026-06-05.

Conditions:
EFTUD2-related disorder. Also called: EFTUD2-related condition.

Allele frequency attached by ClinVar (database versions not stated): gnomAD 0.00001; gnomAD exomes 0.00001 and 0.00002; ExAC 0.00002; TOPMed 0.00002.
gnomAD v4.1: 23 of 1,613,958 alleles (0.0014%); highest among the groups gnomAD compares: Admixed American, 0.01%; no homozygotes.

Submissions (3):

PreventionGenetics, part of Exact Sciences
Classification: Likely benign for EFTUD2-related condition. Last evaluated: 2026-06-05. Review status: criteria provided, single submitter. Criteria: ACMG Guidelines, 2015. Collection method: clinical testing. Allele origin: germline.
Comment: This variant is classified as likely benign based on ACMG/AMP sequence variant interpretation guidelines (Richards et al. 2015 PMID: 25741868, with internal and published modifications).

Labcorp Genetics (formerly Invitae), Labcorp
Classification: Likely benign. Last evaluated: 2026-01-20. Review status: criteria provided, single submitter. Criteria: Invitae Variant Classification Sherloc (09022015). Collection method: clinical testing. Allele origin: germline.

Dr. Peter K. Rogan Lab, Western University
No classification provided (evidence only). Condition: Gastric cancer. Review status: no classification provided. Collection method: in vitro. Allele origin: not applicable. Functional consequence: retained intron. Not counted in ClinVar's aggregate classification.